The following is an entry in ClinVar:

NM_000135.4(FANCA):c.3921G>C (p.Gln1307His)

Genes: ZNF276 (zinc finger protein 276; plus strand), FANCA (FA complementation group A; minus strand). Cytogenetic location: 16q24.3.
Variant type: single nucleotide variant.
Coding change: c.3921G>C on transcript NM_000135.4 (MANE Select); coding-DNA position 3921, G replaced by C.
Protein change: p.Gln1307His; replaces glutamine 1307 with histidine.
Molecular consequence: missense variant. On other transcripts: 3 prime UTR variant (2), non-coding transcript variant (4).
Genome position (GRCh38, 1-based): chr16:89,740,007, C>G on the plus strand (G>C on the coding strand, the complement: FANCA is on the minus strand). VCF-style: chr16-89740007-C-G. GRCh37 (hg19) VCF-style: chr16-89806415-C-G.
Other names: c.3921G>C, p.Gln1307His (NM_001286167.3); c.*1761C>G (NM_001113525.2, NM_152287.4); short protein forms Q1307H.
Identifiers: ClinVar variation 4532877 (VCV004532877.1).

ClinVar aggregate classification (germline): Uncertain significance (1 of 4 stars; one submission).

Submission:

Quest Diagnostics Nichols Institute San Juan Capistrano
Classification: Uncertain significance. Last evaluated: 2025-03-22. Review status: criteria provided, single submitter. Criteria: Quest Diagnostics criteria. Collection method: clinical testing. Allele origin: unknown.
Comment: The FANCA c.3921G>C (p.Gln1307His) variant has been reported in the published literature as a somatic variant in the tissues of 18 patients with pathologically confirmed clear cell renal cell carcinoma (PMID: 34512202 (2021)). The frequency of this variant in the general population (Genome Aggregation Database) is uninformative in the assessment of its pathogenicity. Analysis of this variant using bioinformatics tools for the prediction of the effect of amino acid changes on protein structure and function yielded conflicting predictions that this variant is benign or damaging. Based on the available information, we are unable to determine the clinical significance of this variant.